The following is an entry in ClinVar:

ClinVar aggregate classification (germline): Uncertain significance (1 of 4 stars; one submission).

gnomAD v4.1: 1 of 1,612,420 alleles (0.000062%); highest among the groups gnomAD compares: Non-Finnish European, 0.000085%; no homozygotes.

Submission:

Labcorp Genetics (formerly Invitae), Labcorp
Classification: Uncertain significance. Last evaluated: 2024-06-19. Review status: criteria provided, single submitter. Criteria: Invitae Variant Classification Sherloc (09022015). Collection method: clinical testing. Allele origin: germline.
Comment: This sequence change replaces asparagine, which is neutral and polar, with serine, which is neutral and polar, at codon 529 of the XPO5 protein (p.Asn529Ser). This variant is present in population databases (rs754732801, gnomAD 0.0009%). This variant has not been reported in the literature in individuals affected with XPO5-related conditions. Algorithms developed to predict the effect of missense changes on protein structure and function output the following: SIFT: "Not Available"; PolyPhen-2: "Benign"; Align-GVGD: "Not Available". The serine amino acid residue is found in multiple mammalian species, which suggests that this missense change does not adversely affect protein function. In summary, the available evidence is currently insufficient to determine the role of this variant in disease. Therefore, it has been classified as a Variant of Uncertain Significance.

NM_020750.3(XPO5):c.1586A>G (p.Asn529Ser)

Genes: POLR1C (RNA polymerase I and III subunit C; plus strand), XPO5 (exportin 5; minus strand). Cytogenetic location: 6p21.1.
Variant type: single nucleotide variant.
Coding change: c.1586A>G on transcript NM_020750.3 (MANE Select); coding-DNA position 1586, A replaced by G.
Protein change: p.Asn529Ser; replaces asparagine 529 with serine.
Molecular consequence: missense variant. On other transcripts: non-coding transcript variant (1), intron variant (1).
Genome position (GRCh38, 1-based): chr6:43,551,440, T>C on the plus strand (A>G on the coding strand, the complement: XPO5 is on the minus strand). VCF-style: chr6-43551440-T-C. GRCh37 (hg19) VCF-style: chr6-43519177-T-C.
Other names: c.*42+429T>C (NM_001363658.2); short protein forms N529S.
Identifiers: ClinVar variation 3647960 (VCV003647960.2).